The following is an entry in ClinVar:

ClinVar aggregate classification (germline): Uncertain significance (1 of 4 stars; one submission).

Conditions:
Fanconi anemia (FA). Also called: Fanconi's anemia. Identifiers: Orphanet 84, MedGen C0015625, MeSH D005199, MONDO:0019391.

Submission:

Labcorp Genetics (formerly Invitae), Labcorp
Classification: Uncertain significance for Fanconi anemia. Last evaluated: 2023-07-26. Review status: criteria provided, single submitter. Criteria: Invitae Variant Classification Sherloc (09022015). Collection method: clinical testing. Allele origin: germline.
Comment: This sequence change replaces aspartic acid, which is acidic and polar, with alanine, which is neutral and non-polar, at codon 184 of the FANCD2 protein (p.Asp184Ala). This variant is not present in population databases (gnomAD no frequency). This variant has not been reported in the literature in individuals affected with FANCD2-related conditions. Advanced modeling of protein sequence and biophysical properties (such as structural, functional, and spatial information, amino acid conservation, physicochemical variation, residue mobility, and thermodynamic stability) performed at Invitae indicates that this missense variant is expected to disrupt FANCD2 protein function. In summary, the available evidence is currently insufficient to determine the role of this variant in disease. Therefore, it has been classified as a Variant of Uncertain Significance.

NM_001018115.3(FANCD2):c.551A>C (p.Asp184Ala)

Genes: FANCD2 (FA complementation group D2; plus strand), LOC107303338 (3p25 FANCD2 Alu-mediated recombination region; plus strand). Cytogenetic location: 3p25.3.
Variant type: single nucleotide variant.
Coding change: c.551A>C on transcript NM_001018115.3 (MANE Select); coding-DNA position 551, A replaced by C.
Protein change: p.Asp184Ala; replaces aspartic acid 184 with alanine.
Molecular consequence: missense variant.
Genome position (GRCh38, 1-based): chr3:10,039,338, A>C. VCF-style: chr3-10039338-A-C. GRCh37 (hg19) VCF-style: chr3-10081022-A-C.
Other names: c.551A>C, p.Asp184Ala (NM_001319984.2, NM_001374253.1, NM_001374254.1 and 2 more transcripts); short protein forms D184A.
Identifiers: ClinVar variation 2987312 (VCV002987312.3), dbSNP rs2470737242, ClinGen allele CA351724037.